The following is an entry in ClinVar:

ClinVar aggregate classification (germline): Uncertain significance (1 of 4 stars; one submission).

Submission:

Labcorp Genetics (formerly Invitae), Labcorp
Classification: Uncertain significance. Last evaluated: 2022-10-13. Review status: criteria provided, single submitter. Criteria: Invitae Variant Classification Sherloc (09022015). Collection method: clinical testing. Allele origin: germline.
Comment: ClinVar contains an entry for this variant (Variation ID: 1390228). This sequence change replaces lysine, which is basic and polar, with glutamic acid, which is acidic and polar, at codon 174 of the TUBB2A protein (p.Lys174Glu). This variant is not present in population databases (gnomAD no frequency). This variant has not been reported in the literature in individuals affected with TUBB2A-related conditions. Advanced modeling of protein sequence and biophysical properties (such as structural, functional, and spatial information, amino acid conservation, physicochemical variation, residue mobility, and thermodynamic stability) performed at Invitae indicates that this missense variant is expected to disrupt TUBB2A protein function. In summary, the available evidence is currently insufficient to determine the role of this variant in disease. Therefore, it has been classified as a Variant of Uncertain Significance.

NM_001069.3(TUBB2A):c.520A>G (p.Lys174Glu)

Gene: TUBB2A (tubulin beta 2A class IIa; minus strand). Cytogenetic location: 6p25.2.
Variant type: single nucleotide variant.
Coding change: c.520A>G on transcript NM_001069.3 (MANE Select); coding-DNA position 520, A replaced by G.
Protein change: p.Lys174Glu; replaces lysine 174 with glutamic acid.
Molecular consequence: missense variant.
Genome position (GRCh38, 1-based): chr6:3,154,681, T>C on the plus strand (A>G on the coding strand, the complement: TUBB2A is on the minus strand). VCF-style: chr6-3154681-T-C. GRCh37 (hg19) VCF-style: chr6-3154915-T-C.
Other names: c.265A>G, p.Lys89Glu (NM_001310315.2); short protein forms K174E, K89E.
Identifiers: ClinVar variation 1390228 (VCV001390228.6), dbSNP rs2113785525, ClinGen allele CA362592555.